The following is an entry in ClinVar:

NM_000548.5(TSC2):c.3818C>T (p.Ala1273Val)

Gene: TSC2 (TSC complex subunit 2; plus strand). Cytogenetic location: 16p13.3.
Variant type: single nucleotide variant.
Coding change: c.3818C>T on transcript NM_000548.5 (MANE Select); coding-DNA position 3818, C replaced by T.
Protein change: p.Ala1273Val; replaces alanine 1273 with valine.
Molecular consequence: missense variant. On other transcripts: intron variant (6).
Genome position (GRCh38, 1-based): chr16:2,082,439, C>T. VCF-style: chr16-2082439-C-T. GRCh37 (hg19) VCF-style: chr16-2132440-C-T.
Other names: c.3818C>T (NM_000548.4); c.3086C>T, p.Ala1029Val (NM_001318831.2); c.3686C>T, p.Ala1229Val (NM_001370404.1); c.3689C>T, p.Ala1230Val (NM_001370405.1, NM_021055.3); c.3814+641C>T (NM_001114382.3); c.3685+641C>T (NM_001363528.2); c.3682+641C>T (NM_001077183.3); c.3574+641C>T (NM_001318827.2); and 2 more; short protein forms A1273V, A1230V, A1029V, A1229V.
Identifiers: ClinVar variation 380401 (VCV000380401.53), dbSNP rs749367382, ClinGen allele CA048770.

ClinVar aggregate classification (germline): Conflicting classifications of pathogenicity. Review status: criteria provided, conflicting classifications (1 of 4 stars). 12 submissions from 12 submitters: Uncertain significance (3); Benign (1); Likely benign (7). 1 of the submissions does not count toward it. Last evaluated 2026-04-07.

Conditions:
Tuberous sclerosis 2 (TSC2). Identifiers: Orphanet 805, MedGen C1860707, MONDO:0013199, OMIM 613254.
Hereditary cancer-predisposing syndrome. Also called: Tumor predisposition; Hereditary Cancer Syndrome; Hereditary neoplastic syndrome; Neoplastic Syndromes, Hereditary. Identifiers: Orphanet 140162, MedGen C0027672, MeSH D009386, MONDO:0015356.
Tuberous sclerosis syndrome (TSC). Also called: Tuberous Sclerosis Complex; Tuberous sclerosis. Identifiers: Orphanet 805, MedGen C0041341, MONDO:0001734.

Allele frequency attached by ClinVar (database versions not stated): gnomAD exomes 0.00001 and 0.00002; ExAC 0.00002; TOPMed 0.00002.
gnomAD v4.1: 21 of 1,612,590 alleles (0.0013%); highest among the groups gnomAD compares: Middle Eastern, 0.15%; 1 homozygote.

Submissions (12):

Ambry Genetics
Classification: Likely benign for Hereditary cancer-predisposing syndrome. Last evaluated: 2026-04-07. Review status: criteria provided, single submitter. Criteria: Ambry Variant Classification Scheme 2023. Collection method: clinical testing. Allele origin: germline.

CeGaT Center for Human Genetics Tuebingen
Classification: Likely benign. Last evaluated: 2026-04-01. Review status: criteria provided, single submitter. Criteria: CeGaT Center For Human Genetics Tuebingen Variant Classification Criteria Version 2. Collection method: clinical testing. Allele origin: germline. Affected: yes. Observed: 10 variant alleles.
Comment: TSC2: BS2

St. Jude Molecular Pathology, St. Jude Children's Research Hospital
Classification: Uncertain significance for Tuberous sclerosis 2. Last evaluated: 2026-02-11. Review status: criteria provided, single submitter. Criteria: St. Jude Assertion Criteria 2020. Collection method: clinical testing. Allele origin: germline.
Comment: The TSC2 c.3818C>T p.(Ala1273Val) missense change has a maximum subpopulation frequency of 0.006% in gnomAD v2.1.1, including 1 homozygote. The in silico tool REVEL is inconclusive about a pathogenic or benign effect of this variant on protein function, and to our knowledge functional studies have not been performed. To our knowledge, this variant has not been reported in individuals with tuberous sclerosis complex. In summary, the evidence currently available is insufficient to determine the clinical significance of this variant. It has therefore been classified as of uncertain significance.

Labcorp Genetics (formerly Invitae), Labcorp
Classification: Benign for Tuberous sclerosis 2. Last evaluated: 2026-02-03. Review status: criteria provided, single submitter. Criteria: Invitae Variant Classification Sherloc (09022015). Collection method: clinical testing. Allele origin: germline.

Blueprint Genetics
Classification: Likely benign. Last evaluated: 2024-11-07. Review status: criteria provided, single submitter. Criteria: ACMG Guidelines, 2015. Collection method: clinical testing. Allele origin: germline.

Color Diagnostics, LLC DBA Color Health
Classification: Likely benign for Tuberous sclerosis syndrome. Last evaluated: 2022-10-03. Review status: criteria provided, single submitter. Criteria: ACMG Guidelines, 2015. Collection method: clinical testing. Allele origin: germline.

Sema4
Classification: Likely benign for Hereditary cancer-predisposing syndrome. Last evaluated: 2021-12-22. Review status: criteria provided, single submitter. Criteria: Sema4 Curation Guidelines. Collection method: curation. Allele origin: germline.

Genome-Nilou Lab
Classification: Likely benign for Tuberous sclerosis 2. Last evaluated: 2021-11-07. Review status: criteria provided, single submitter. Criteria: ACMG Guidelines, 2015. Collection method: clinical testing. Allele origin: germline. Affected: no.

Quest Diagnostics Nichols Institute San Juan Capistrano
Classification: Uncertain significance. Last evaluated: 2021-06-29. Review status: criteria provided, single submitter. Criteria: Quest Diagnostics criteria. Collection method: clinical testing. Allele origin: unknown.

Mayo Clinic Laboratories, Mayo Clinic
Classification: Uncertain significance. Last evaluated: 2019-06-04. Review status: criteria provided, single submitter. Criteria: ACMG Guidelines, 2015. Collection method: clinical testing. Allele origin: germline. Observed: 1 variant allele.

GeneDx
Classification: Likely benign. Last evaluated: 2015-10-09. Review status: criteria provided, single submitter. Criteria: GeneDx Variant Classification (06012015). Collection method: clinical testing. Allele origin: germline. Affected: yes.
Comment: This variant is considered likely benign or benign based on one or more of the following criteria: it is a conservative change, it occurs at a poorly conserved position in the protein, it is predicted to be benign by multiple in silico algorithms, and/or has population frequency not consistent with disease.

Department of Pathology and Laboratory Medicine, Sinai Health System
Classification: Uncertain significance. Review status: no assertion criteria provided. Collection method: clinical testing. Allele origin: unknown. Affected: yes. Study: The Canadian Open Genetics Repository (COGR). Not counted in ClinVar's aggregate classification.
Comment: The TSC2 p.Ala1029Val variant was not identified in the literature nor was it identified in Cosmic. The variant was identified in dbSNP (ID: rs749367382) and ClinVar (classified as uncertain significance by Invitae and Ambry Genetics and as likely benign by GeneDx). The variant was identified in control databases in 6 of 250388 chromosomes (1 homozygous) at a frequency of 0.00002396 (Genome Aggregation Database March 6, 2019, v2.1.1). The variant was observed in the following populations: Other in 4 of 6120 chromosomes (freq: 0.000654) and Latino in 2 of 34574 chromosomes (freq: 0.000058), but was not observed in the African, Ashkenazi Jewish, East Asian, European (Finnish), European (non-Finnish), or South Asian populations. The p.Ala1029 residue is conserved in mammals and computational analyses (PolyPhen-2, SIFT, AlignGVGD, BLOSUM, MutationTaster) provide inconsistent predictions regarding the impact to the protein; this information is not very predictive of pathogenicity. The variant occurs outside of the splicing consensus sequence and in silico or computational prediction software programs (SpliceSiteFinder, MaxEntScan, NNSPLICE, GeneSplicer) do not predict a difference in splicing. In summary, based on the above information the clinical significance of this variant cannot be determined with certainty at this time. This variant is classified as a variant of uncertain significance.